The following is an entry in ClinVar:

NM_000271.5(NPC1):c.271C>G (p.Leu91Val)

Gene: NPC1 (NPC intracellular cholesterol transporter 1; minus strand). Cytogenetic location: 18q11.2.
Variant type: single nucleotide variant.
Coding change: c.271C>G on transcript NM_000271.5 (MANE Select); coding-DNA position 271, C replaced by G.
Protein change: p.Leu91Val; replaces leucine 91 with valine.
Molecular consequence: missense variant.
Genome position (GRCh38, 1-based): chr18:23,572,090, G>C on the plus strand (C>G on the coding strand, the complement: NPC1 is on the minus strand). VCF-style: chr18-23572090-G-C. GRCh37 (hg19) VCF-style: chr18-21152054-G-C.
Other names: short protein forms L91V.
Identifiers: ClinVar variation 1399934 (VCV001399934.6), dbSNP rs773809600, ClinGen allele CA401786369.

ClinVar aggregate classification (germline): Uncertain significance. Review status: criteria provided, multiple submitters, no conflicts (2 of 4 stars). 2 submissions from 2 submitters: Uncertain significance (2). Last evaluated 2022-03-25.

Conditions:
Inborn genetic diseases. Identifiers: MedGen C0950123, MeSH D030342.
Niemann-Pick disease, type C1. Also called: NIEMANN-PICK DISEASE, VARIANT TYPE C1; NEUROVISCERAL STORAGE DISEASE WITH VERTICAL SUPRANUCLEAR OPHTHALMOPLEGIA; NIEMANN-PICK DISEASE WITH CHOLESTEROL ESTERIFICATION BLOCK; NIEMANN-PICK DISEASE WITHOUT SPHINGOMYELINASE DEFICIENCY; NIEMANN-PICK DISEASE, CHRONIC NEURONOPATHIC FORM. Identifiers: Orphanet 646, MedGen C3179455, MONDO:0009757, OMIM 257220.

gnomAD v4.1: 1 of 1,613,514 alleles (0.000062%); highest among the groups gnomAD compares: African/African-American, 0.0013%; no homozygotes.

Submissions (2):

Ambry Genetics
Classification: Uncertain significance for Inborn genetic diseases. Last evaluated: 2022-03-25. Review status: criteria provided, single submitter. Criteria: Ambry Variant Classification Scheme 2023. Collection method: clinical testing. Allele origin: germline.
Comment: The p.L91V variant (also known as c.271C>G), located in coding exon 3 of the NPC1 gene, results from a C to G substitution at nucleotide position 271. The leucine at codon 91 is replaced by valine, an amino acid with highly similar properties. This amino acid position is conserved. In addition, the in silico prediction for this alteration is inconclusive. Since supporting evidence is limited at this time, the clinical significance of this alteration remains unclear.

Labcorp Genetics (formerly Invitae), Labcorp
Classification: Uncertain significance for Niemann-Pick disease, type C1. Last evaluated: 2022-03-02. Review status: criteria provided, single submitter. Criteria: Invitae Variant Classification Sherloc (09022015). Collection method: clinical testing. Allele origin: germline.
Comment: This sequence change replaces leucine, which is neutral and non-polar, with valine, which is neutral and non-polar, at codon 91 of the NPC1 protein (p.Leu91Val). This variant is not present in population databases (gnomAD no frequency). This variant has not been reported in the literature in individuals affected with NPC1-related conditions. Advanced modeling of protein sequence and biophysical properties (such as structural, functional, and spatial information, amino acid conservation, physicochemical variation, residue mobility, and thermodynamic stability) performed at Invitae indicates that this missense variant is not expected to disrupt NPC1 protein function. In summary, the available evidence is currently insufficient to determine the role of this variant in disease. Therefore, it has been classified as a Variant of Uncertain Significance.